The following is an entry in ClinVar:

NM_004958.4(MTOR):c.7077G>A (p.Gly2359=)

Gene: MTOR (mechanistic target of rapamycin kinase; minus strand). Cytogenetic location: 1p36.22.
Variant type: single nucleotide variant.
Coding change: c.7077G>A on transcript NM_004958.4 (MANE Select); coding-DNA position 7077, G replaced by A.
Protein change: p.Gly2359=; no amino-acid change (glycine 2359 retained).
Molecular consequence: synonymous variant.
Genome position (GRCh38, 1-based): chr1:11,115,408, C>T on the plus strand (G>A on the coding strand, the complement: MTOR is on the minus strand). VCF-style: chr1-11115408-C-T. GRCh37 (hg19) VCF-style: chr1-11175465-C-T.
Other names: c.7077G>A, p.Gly2359= (NM_001386500.1); c.5829G>A, p.Gly1943= (NM_001386501.1).
Identifiers: ClinVar variation 3048499 (VCV003048499.2), dbSNP rs1208247569, ClinGen allele CA415918531.
Genomic context (GRCh38, chr1:11,115,408, plus strand): 5'-AGTGATCACCCGGGAAGATGAGGTTGGGGTTCTAGAACATGTGTTCACCTCAAAGCAGTC[C>T]CCAAAGTCAATGTGCAGGATCTTCCCACTCAGACGGTCCAGCATCAGGTTGGATGGGTGT-3'
Protein context (NP_004949.1, residues 2349-2369): LSGKILHIDF[Gly2359=]DCFEVAMTRE

ClinVar aggregate classification (germline): Likely benign (0 of 4 stars; one submission).

Conditions:
MTOR-related disorder. Also called: MTOR-related condition.

Allele frequency attached by ClinVar (database versions not stated): gnomAD exomes 0.00001.

Submission:

PreventionGenetics, part of Exact Sciences
Classification: Likely benign for MTOR-related condition. Last evaluated: 2022-03-29. Review status: no assertion criteria provided. Collection method: clinical testing. Allele origin: germline.
Comment: This variant is classified as likely benign based on ACMG/AMP sequence variant interpretation guidelines (Richards et al. 2015 PMID: 25741868, with internal and published modifications).